The following is an entry in ClinVar:

NM_152641.4(ARID2):c.3647C>T (p.Thr1216Met)

Gene: ARID2 (AT-rich interaction domain 2; plus strand). Cytogenetic location: 12q12.
Variant type: single nucleotide variant.
Coding change: c.3647C>T on transcript NM_152641.4 (MANE Select); coding-DNA position 3647, C replaced by T.
Protein change: p.Thr1216Met; replaces threonine 1216 with methionine.
Molecular consequence: missense variant.
Genome position (GRCh38, 1-based): chr12:45,851,770, C>T. VCF-style: chr12-45851770-C-T. GRCh37 (hg19) VCF-style: chr12-46245553-C-T.
Other names: c.3647C>T, p.Thr1216Met (NM_001347839.2); short protein forms T1216M.
Identifiers: ClinVar variation 2642914 (VCV002642914.24), dbSNP rs369610372, ClinGen allele CA6526502.

ClinVar aggregate classification (germline): Likely benign (1 of 4 stars; one submission).

Allele frequency attached by ClinVar (database versions not stated): ExAC 0.00001; TOPMed 0.00004; gnomAD 0.00005; ESP Exome Variant Server 0.00008.
gnomAD v4.1: 56 of 1,613,938 alleles (0.0035%); highest among the groups gnomAD compares: Non-Finnish European, 0.0042%; no homozygotes.

Submission:

CeGaT Center for Human Genetics Tuebingen
Classification: Likely benign. Last evaluated: 2023-08-01. Review status: criteria provided, single submitter. Criteria: CeGaT Center For Human Genetics Tuebingen Variant Classification Criteria Version 2. Collection method: clinical testing. Allele origin: germline. Affected: yes. Observed: 1 variant allele.
Comment: ARID2: BP4